The following is an entry in ClinVar:

ClinVar aggregate classification (germline): Uncertain significance. Review status: criteria provided, multiple submitters, no conflicts (2 of 4 stars). 3 submissions from 3 submitters: Uncertain significance (2). 1 of the submissions does not count toward it. Last evaluated 2026-01-27.

Conditions:
KBTBD13-related disorder. Also called: KBTBD13-related condition.
Inborn genetic diseases. Identifiers: MedGen C0950123, MeSH D030342.
Nemaline myopathy 6 (NEM6). Also called: Nemaline myopathy 6, autosomal dominant. Identifiers: Orphanet 171439, MedGen C1836472, MONDO:0012237, OMIM 609273.

Allele frequency attached by ClinVar (database versions not stated): ExAC below 0.00001; gnomAD exomes 0.00003 and 0.00007; gnomAD 0.00034; TOPMed 0.00034; 1000 Genomes Project 0.00100; 1000 Genomes Project 30x 0.00125.

Submissions (3):

Labcorp Genetics (formerly Invitae), Labcorp
Classification: Uncertain significance for Nemaline myopathy 6. Last evaluated: 2026-01-27. Review status: criteria provided, single submitter. Criteria: Invitae Variant Classification Sherloc (09022015). Collection method: clinical testing. Allele origin: germline.
Comment: This sequence change replaces arginine, which is basic and polar, with tryptophan, which is neutral and slightly polar, at codon 69 of the KBTBD13 protein (p.Arg69Trp). The frequency data for this variant in the population databases is considered unreliable, as metrics indicate poor data quality at this position in the gnomAD database. This variant has not been reported in the literature in individuals affected with KBTBD13-related conditions. ClinVar contains an entry for this variant (Variation ID: 464349). Invitae Evidence Modeling of protein sequence and biophysical properties (such as structural, functional, and spatial information, amino acid conservation, physicochemical variation, residue mobility, and thermodynamic stability) indicates that this missense variant is not expected to disrupt KBTBD13 protein function with a negative predictive value of 80%. In summary, the available evidence is currently insufficient to determine the role of this variant in disease. Therefore, it has been classified as a Variant of Uncertain Significance.

Ambry Genetics
Classification: Uncertain significance for Inborn genetic diseases. Last evaluated: 2025-08-11. Review status: criteria provided, single submitter. Criteria: Ambry Variant Classification Scheme 2023. Collection method: clinical testing. Allele origin: germline.

PreventionGenetics, part of Exact Sciences
Classification: Likely benign for KBTBD13-related condition. Last evaluated: 2023-12-19. Review status: no assertion criteria provided. Collection method: clinical testing. Allele origin: germline. Not counted in ClinVar's aggregate classification.
Comment: This variant is classified as likely benign based on ACMG/AMP sequence variant interpretation guidelines (Richards et al. 2015 PMID: 25741868, with internal and published modifications).

NM_001101362.3(KBTBD13):c.205C>T (p.Arg69Trp)

Gene: KBTBD13 (kelch repeat and BTB domain containing 13; plus strand). Cytogenetic location: 15q22.31.
Variant type: single nucleotide variant.
Coding change: c.205C>T on transcript NM_001101362.3 (MANE Select); coding-DNA position 205, C replaced by T.
Protein change: p.Arg69Trp; replaces arginine 69 with tryptophan.
Molecular consequence: missense variant.
Genome position (GRCh38, 1-based): chr15:65,077,020, C>T. VCF-style: chr15-65077020-C-T. GRCh37 (hg19) VCF-style: chr15-65369358-C-T.
Other names: short protein forms R69W.
Identifiers: ClinVar variation 464349 (VCV000464349.14), dbSNP rs530722554, ClinGen allele CA7613898.